The following is an entry in ClinVar:

NM_002519.3(NPAT):c.1720G>A (p.Glu574Lys)

Gene: NPAT (nuclear protein, coactivator of histone transcription; minus strand). Cytogenetic location: 11q22.3.
Variant type: single nucleotide variant.
Coding change: c.1720G>A on transcript NM_002519.3 (MANE Select); coding-DNA position 1720, G replaced by A.
Protein change: p.Glu574Lys; replaces glutamic acid 574 with lysine.
Molecular consequence: missense variant.
Genome position (GRCh38, 1-based): chr11:108,173,264, C>T on the plus strand (G>A on the coding strand, the complement: NPAT is on the minus strand). VCF-style: chr11-108173264-C-T. GRCh37 (hg19) VCF-style: chr11-108043991-C-T.
Other names: c.1720G>A, p.Glu574Lys (NM_001321307.1); short protein forms E574K.
Identifiers: ClinVar variation 2567972 (VCV002567972.2), dbSNP rs2496720328, ClinGen allele CA382514512.

ClinVar aggregate classification (germline): Uncertain significance (1 of 4 stars; one submission).

Submission:

Ambry Genetics
Classification: Uncertain significance. Last evaluated: 2023-04-09. Review status: criteria provided, single submitter. Criteria: Ambry Variant Classification Scheme 2023. Collection method: clinical testing. Allele origin: germline.
Comment: The p.E574K variant (also known as c.1720G>A), located in coding exon 13 of the NPAT gene, results from a G to A substitution at nucleotide position 1720. The glutamic acid at codon 574 is replaced by lysine, an amino acid with similar properties. This amino acid position is conserved. In addition, this alteration is predicted to be tolerated by in silico analysis. Since supporting evidence is limited at this time, the clinical significance of this alteration remains unclear.